The following is an entry in ClinVar:

NM_017613.4(DONSON):c.1152-3C>T

Gene: DONSON (DNA replication fork stabilization factor DONSON; minus strand). Cytogenetic location: 21q22.11.
Variant type: single nucleotide variant.
Coding change: c.1152-3C>T on transcript NM_017613.4 (MANE Select); 3 bases into the intron before coding-DNA position 1152, C replaced by T.
Molecular consequence: intron variant.
Genome position (GRCh38, 1-based): chr21:33,581,503, G>A on the plus strand (C>T on the coding strand, the complement: DONSON is on the minus strand). VCF-style: chr21-33581503-G-A. GRCh37 (hg19) VCF-style: chr21-34953809-G-A.
Identifiers: ClinVar variation 2178224 (VCV002178224.1), dbSNP rs200923236, ClinGen allele CA10010385.

ClinVar aggregate classification (germline): Uncertain significance (1 of 4 stars; one submission).

Allele frequency attached by ClinVar (database versions not stated): ExAC 0.00010; gnomAD 0.00027; TOPMed 0.00027; 1000 Genomes Project 30x 0.00031; 1000 Genomes Project 0.00040; ESP Exome Variant Server 0.00046.
gnomAD v4.1: 97 of 1,609,578 alleles (0.006%); highest among the groups gnomAD compares: African/African-American, 0.1%; no homozygotes.

Submission:

Labcorp Genetics (formerly Invitae), Labcorp
Classification: Uncertain significance. Last evaluated: 2022-09-27. Review status: criteria provided, single submitter. Criteria: Invitae Variant Classification Sherloc (09022015). Collection method: clinical testing. Allele origin: germline.
Comment: This sequence change falls in intron 7 of the DONSON gene. It does not directly change the encoded amino acid sequence of the DONSON protein. It affects a nucleotide within the consensus splice site. This variant is present in population databases (rs200923236, gnomAD 0.07%). This variant has not been reported in the literature in individuals affected with DONSON-related conditions. Variants that disrupt the consensus splice site are a relatively common cause of aberrant splicing (PMID: 17576681, 9536098). Algorithms developed to predict the effect of sequence changes on RNA splicing suggest that this variant is not likely to affect RNA splicing. In summary, the available evidence is currently insufficient to determine the role of this variant in disease. Therefore, it has been classified as a Variant of Uncertain Significance.

Literature cited by the submitters: PubMed 17576681; PubMed 9536098.